The following is an entry in ClinVar:

NM_032608.7(MYO18B):c.5153G>C (p.Arg1718Pro)

Gene: MYO18B (myosin XVIIIB; plus strand). Cytogenetic location: 22q12.1.
Variant type: single nucleotide variant.
Coding change: c.5153G>C on transcript NM_032608.7 (MANE Select); coding-DNA position 5153, G replaced by C.
Protein change: p.Arg1718Pro; replaces arginine 1718 with proline.
Molecular consequence: missense variant.
Genome position (GRCh38, 1-based): chr22:25,908,326, G>C. VCF-style: chr22-25908326-G-C. GRCh37 (hg19) VCF-style: chr22-26304293-G-C.
Other names: c.5156G>C, p.Arg1719Pro (NM_001318245.2); short protein forms R1718P, R1719P.
Identifiers: ClinVar variation 2057908 (VCV002057908.4), dbSNP rs377380033, ClinGen allele CA411001636.

ClinVar aggregate classification (germline): Uncertain significance (1 of 4 stars; one submission).

Submission:

Labcorp Genetics (formerly Invitae), Labcorp
Classification: Uncertain significance. Last evaluated: 2022-04-10. Review status: criteria provided, single submitter. Criteria: Invitae Variant Classification Sherloc (09022015). Collection method: clinical testing. Allele origin: germline.
Comment: In summary, the available evidence is currently insufficient to determine the role of this variant in disease. Therefore, it has been classified as a Variant of Uncertain Significance. Algorithms developed to predict the effect of missense changes on protein structure and function are either unavailable or do not agree on the potential impact of this missense change (SIFT: "Not Available"; PolyPhen-2: "Probably Damaging"; Align-GVGD: "Not Available"). This variant has not been reported in the literature in individuals affected with MYO18B-related conditions. This variant is not present in population databases (gnomAD no frequency). This sequence change replaces arginine, which is basic and polar, with proline, which is neutral and non-polar, at codon 1718 of the MYO18B protein (p.Arg1718Pro).